The following is an entry in ClinVar:

NM_001127511.3(APC):c.-8C>T

Gene: APC (APC regulator of Wnt signaling pathway; plus strand). Cytogenetic location: 5q22.2.
Variant type: single nucleotide variant.
Coding change: c.-8C>T on transcript NM_001127511.3; 8 bases upstream of the start codon, C replaced by T.
Molecular consequence: 5 prime UTR variant. On other transcripts: non-coding transcript variant (1), intron variant (5).
Genome position (GRCh38, 1-based): chr5:112,707,710, C>T. VCF-style: chr5-112707710-C-T. GRCh37 (hg19) VCF-style: chr5-112043407-C-T.
Other names: c.-191C>T (NM_001354895.2, NM_001407447.1, NM_001407452.1 and 3 more transcripts); c.-8C>T (NM_001354897.2, NM_001354902.2, NM_001407446.1); c.-1226C>T (NM_001407470.1, NM_001407472.1); c.-19+61C>T (NM_001407448.1, NM_001407450.1, NM_001407457.1 and 1 more transcripts); c.-43+61C>T (NM_001407453.1).
Identifiers: ClinVar variation 1024095 (VCV001024095.7), dbSNP rs1750599549, ClinGen allele CA1573442658.

ClinVar aggregate classification (germline): Uncertain significance (1 of 4 stars; one submission).

Conditions:
Familial adenomatous polyposis 1 (FAP1). Also called: FAMILIAL ADENOMATOUS POLYPOSIS 1, ATTENUATED; POLYPOSIS, ADENOMATOUS INTESTINAL. Identifiers: MedGen C2713442, MONDO:0021056, OMIM 175100. Disease mechanism: loss of function.

Submission:

Labcorp Genetics (formerly Invitae), Labcorp
Classification: Uncertain significance for Familial adenomatous polyposis 1. Last evaluated: 2025-02-25. Review status: criteria provided, single submitter. Criteria: Invitae Variant Classification Sherloc (09022015). Collection method: clinical testing. Allele origin: germline.
Comment: This variant occurs in a non-coding region of the APC gene. It does not change the encoded amino acid sequence of the APC protein. This variant is not present in population databases (gnomAD no frequency). This variant has not been reported in the literature in individuals affected with APC-related conditions. Experimental studies and prediction algorithms are not available or were not evaluated, and the functional significance of this variant is currently unknown. In summary, the available evidence is currently insufficient to determine the role of this variant in disease. Therefore, it has been classified as a Variant of Uncertain Significance.